The following is an entry in ClinVar:

NM_000094.4(COL7A1):c.187G>A (p.Gly63Arg)

Gene: COL7A1 (collagen type VII alpha 1 chain; minus strand). Cytogenetic location: 3p21.31.
Variant type: single nucleotide variant.
Coding change: c.187G>A on transcript NM_000094.4 (MANE Select); coding-DNA position 187, G replaced by A.
Protein change: p.Gly63Arg; replaces glycine 63 with arginine.
Molecular consequence: missense variant.
Genome position (GRCh38, 1-based): chr3:48,594,447, C>T on the plus strand (G>A on the coding strand, the complement: COL7A1 is on the minus strand). VCF-style: chr3-48594447-C-T. GRCh37 (hg19) VCF-style: chr3-48631880-C-T.
Other names: short protein forms G63R.
Identifiers: ClinVar variation 3635692 (VCV003635692.2).

ClinVar aggregate classification (germline): Uncertain significance (1 of 4 stars; one submission).

Submission:

Labcorp Genetics (formerly Invitae), Labcorp
Classification: Uncertain significance. Last evaluated: 2024-10-28. Review status: criteria provided, single submitter. Criteria: Invitae Variant Classification Sherloc (09022015). Collection method: clinical testing. Allele origin: germline.
Comment: This sequence change replaces glycine, which is neutral and non-polar, with arginine, which is basic and polar, at codon 63 of the COL7A1 protein (p.Gly63Arg). This variant is not present in population databases (gnomAD no frequency). This variant has not been reported in the literature in individuals affected with COL7A1-related conditions. Invitae Evidence Modeling of protein sequence and biophysical properties (such as structural, functional, and spatial information, amino acid conservation, physicochemical variation, residue mobility, and thermodynamic stability) indicates that this missense variant is not expected to disrupt COL7A1 protein function with a negative predictive value of 95%. In summary, the available evidence is currently insufficient to determine the role of this variant in disease. Therefore, it has been classified as a Variant of Uncertain Significance.